The following is an entry in ClinVar:

ClinVar aggregate classification (germline): Uncertain significance (1 of 4 stars; one submission).

Conditions:
Luscan-Lumish syndrome. Identifiers: Orphanet 597738, MedGen C4085873, MONDO:0014791, OMIM 616831.

Allele frequency attached by ClinVar (database versions not stated): gnomAD 0.00001; TOPMed 0.00001.
gnomAD v4.1: 1 of 1,552,142 alleles (0.000064%); highest among the groups gnomAD compares: Admixed American, 0.002%; no homozygotes.

Submission:

New York Genome Center
Classification: Uncertain significance for Luscan-Lumish syndrome. Last evaluated: 2023-06-22. Review status: criteria provided, single submitter. Criteria: NYGC Assertion Criteria 2020. Collection method: clinical testing. Allele origin: germline. Observed: 1 heterozygote.
Comment: The c.638C>G variant in SETD2 has not previously been reported in the literature and the variant is observed in 2 alleles (~0.0003% minor allele frequency with 0 homozygotes) in population databases (gnomAD v2.1.1 and v3.1.2, TOPMed Freeze 8), suggesting it is not a common benign variant in the populations represented in those databases. The c.638C>G variant in SETD2 is located in exon 3 of this 21-exon gene and predicted to replace a moderately conserved alanine amino acid with glycine at position 213 in the kinase domain of the encoded protein. In silico predictions are not in favor of damaging effect for p.(Ala213Gly) [(CADD v1.6 = 21.3, REVEL = 0.116)]; however, there are no functional studies to support or refute these predictions. Based on available evidence this inherited c.638C>G p.(Ala213Gly) variant in SETD2 is classified as a Variant of Uncertain Significance.

NM_014159.7(SETD2):c.638C>G (p.Ala213Gly)

Gene: SETD2 (SET domain containing 2, histone lysine methyltransferase; minus strand). Cytogenetic location: 3p21.31.
Variant type: single nucleotide variant.
Coding change: c.638C>G on transcript NM_014159.7 (MANE Select); coding-DNA position 638, C replaced by G.
Protein change: p.Ala213Gly; replaces alanine 213 with glycine.
Molecular consequence: missense variant. On other transcripts: non-coding transcript variant (1).
Genome position (GRCh38, 1-based): chr3:47,123,998, G>C on the plus strand (C>G on the coding strand, the complement: SETD2 is on the minus strand). VCF-style: chr3-47123998-G-C. GRCh37 (hg19) VCF-style: chr3-47165488-G-C.
Other names: c.506C>G, p.Ala169Gly (NM_001349370.3); short protein forms A169G, A213G.
Identifiers: ClinVar variation 2665018 (VCV002665018.1), dbSNP rs1292986984, ClinGen allele CA352535723.
Genomic context (GRCh38, chr3:47,123,998, plus strand): 5'-ACATCTACTGGTAAGGGTACTGGTGCTGCCATTAGAACTGTTATTGGTGTATGTGGCAAG[G>C]CCACTGGCTCTGTTACTGGTGCTGGTGATGAGAGTGTTGTGGCTTGGGCAGGTGGAGGCG-3'
Protein context (NP_054878.5, residues 203-223): SSPAPVTEPV[Ala213Gly]LPHTPITVLM